The following is an entry in ClinVar:

ClinVar aggregate classification (germline): Conflicting classifications of pathogenicity. Review status: criteria provided, conflicting classifications (1 of 4 stars). 3 submissions from 3 submitters: Uncertain significance (1); Likely benign (2). Last evaluated 2025-12-23.

Conditions:
Hereditary cancer-predisposing syndrome. Also called: Tumor predisposition; Hereditary Cancer Syndrome; Neoplastic Syndromes, Hereditary; Hereditary neoplastic syndrome. Identifiers: Orphanet 140162, MedGen C0027672, MeSH D009386, MONDO:0015356.
Familial cancer of breast. Also called: Hereditary breast cancer; BREAST CANCER, FAMILIAL; hereditary breast carcinoma. Identifiers: Orphanet 227535, MedGen C0346153, MONDO:0016419, OMIM 114480. Disease mechanism: loss of function.
Fanconi anemia complementation group J. Also called: BRIP1-Related Fanconi Anemia. Identifiers: Orphanet 84, MedGen C1836860, MONDO:0012187, OMIM 609054.

Allele frequency attached by ClinVar (database versions not stated): gnomAD exomes below 0.00001 and 0.00001; gnomAD 0.00001; ExAC 0.00002; 1000 Genomes Project 30x 0.00031; 1000 Genomes Project 0.00040.
gnomAD v4.1: 3 of 1,598,336 alleles (0.00019%); highest among the groups gnomAD compares: South Asian, 0.0033%; no homozygotes.

Submissions (3):

Labcorp Genetics (formerly Invitae), Labcorp
Classification: Likely benign for Familial cancer of breast; Fanconi anemia complementation group J. Last evaluated: 2025-12-23. Review status: criteria provided, single submitter. Criteria: Invitae Variant Classification Sherloc (09022015). Collection method: clinical testing. Allele origin: germline.

Ambry Genetics
Classification: Uncertain significance for Hereditary cancer-predisposing syndrome. Last evaluated: 2025-10-31. Review status: criteria provided, single submitter. Criteria: Ambry Variant Classification Scheme 2023. Collection method: clinical testing. Allele origin: germline.
Comment: The c.205+3A>G intronic variant results from an A to G substitution 3 nucleotides after coding exon 2 in the BRIP1 gene. This nucleotide position is well conserved in available vertebrate species. In silico splice site analysis predicts that this alteration will not have any significant effect on splicing. Since supporting evidence is limited at this time, the clinical significance of this alteration remains unclear.

Color Diagnostics, LLC DBA Color Health
Classification: Likely benign for Hereditary cancer-predisposing syndrome. Last evaluated: 2017-10-02. Review status: criteria provided, single submitter. Criteria: ACMG Guidelines, 2015. Collection method: clinical testing. Allele origin: germline.

NM_032043.3(BRIP1):c.205+3A>G

Gene: BRIP1 (BRCA1 interacting DNA helicase 1; minus strand). Cytogenetic location: 17q23.2.
Variant type: single nucleotide variant.
Coding change: c.205+3A>G on transcript NM_032043.3 (MANE Select); 3 bases into the intron after coding-DNA position 205, A replaced by G.
Molecular consequence: intron variant.
Genome position (GRCh38, 1-based): chr17:61,859,793, T>C on the plus strand (A>G on the coding strand, the complement: BRIP1 is on the minus strand). VCF-style: chr17-61859793-T-C. GRCh37 (hg19) VCF-style: chr17-59937154-T-C.
Identifiers: ClinVar variation 215949 (VCV000215949.17), dbSNP rs539329589, ClinGen allele CA336991.